The following is an entry in ClinVar:

NM_001205293.3(CACNA1E):c.1294T>C (p.Cys432Arg)

Gene: CACNA1E (calcium voltage-gated channel subunit alpha1 E; plus strand). Cytogenetic location: 1q25.3.
Variant type: single nucleotide variant.
Coding change: c.1294T>C on transcript NM_001205293.3 (MANE Select); coding-DNA position 1294, T replaced by C.
Protein change: p.Cys432Arg; replaces cysteine 432 with arginine.
Molecular consequence: missense variant.
Genome position (GRCh38, 1-based): chr1:181,716,108, T>C. VCF-style: chr1-181716108-T-C. GRCh37 (hg19) VCF-style: chr1-181685244-T-C.
Other names: c.1294T>C, p.Cys432Arg (NM_000721.4, NM_001205294.2); short protein forms C432R.
Identifiers: ClinVar variation 1397259 (VCV001397259.8), dbSNP rs2102455473, ClinGen allele CA343623868.

ClinVar aggregate classification (germline): Uncertain significance (1 of 4 stars; one submission).

Submission:

Labcorp Genetics (formerly Invitae), Labcorp
Classification: Uncertain significance. Last evaluated: 2024-03-04. Review status: criteria provided, single submitter. Criteria: Invitae Variant Classification Sherloc (09022015). Collection method: clinical testing. Allele origin: germline.
Comment: This sequence change replaces cysteine, which is neutral and slightly polar, with arginine, which is basic and polar, at codon 432 of the CACNA1E protein (p.Cys432Arg). This variant is not present in population databases (gnomAD no frequency). This variant has not been reported in the literature in individuals affected with CACNA1E-related conditions. ClinVar contains an entry for this variant (Variation ID: 1397259). Advanced modeling of protein sequence and biophysical properties (such as structural, functional, and spatial information, amino acid conservation, physicochemical variation, residue mobility, and thermodynamic stability) has been performed at Invitae for this missense variant, however the output from this modeling did not meet the statistical confidence thresholds required to predict the impact of this variant on CACNA1E protein function. In summary, the available evidence is currently insufficient to determine the role of this variant in disease. Therefore, it has been classified as a Variant of Uncertain Significance.